The following is an entry in ClinVar:

ClinVar aggregate classification (germline): Pathogenic (1 of 4 stars; one submission).

Conditions:
Retinitis pigmentosa 12 (RP12). Also called: RP WITH OR WITHOUT PRESERVED PARAARTERIOLE RETINAL PIGMENT EPITHELIUM; RETINITIS PIGMENTOSA WITH OR WITHOUT PARAARTERIOLAR PRESERVATION OF RETINAL PIGMENT EPITHELIUM; RP WITH OR WITHOUT PPRPE. Identifiers: Orphanet 791, MedGen C1838647, MONDO:0010818, OMIM 600105.
Leber congenital amaurosis 8 (LCA8). Identifiers: Orphanet 65, MedGen C3151202, MONDO:0013453, OMIM 613835.

Submission:

Labcorp Genetics (formerly Invitae), Labcorp
Classification: Pathogenic for Leber congenital amaurosis 8; Retinitis pigmentosa 12. Last evaluated: 2023-12-18. Review status: criteria provided, single submitter. Criteria: Invitae Variant Classification Sherloc (09022015). Collection method: clinical testing. Allele origin: germline.
Comment: This variant is a gross deletion of the genomic region encompassing exon(s) 6 of the CRB1 gene. This variant would be expected to be in-frame, preserving the integrity of the reading frame. This variant has not been reported in the literature in individuals affected with CRB1-related conditions. This variant disrupts a region of the CRB1 protein in which other variant(s) (p.Val578Glu) have been determined to be pathogenic (PMID: 15459956, 23449718, 33921607). This suggests that this is a clinically significant region of the protein, and that variants that disrupt it are likely to be disease-causing. For these reasons, this variant has been classified as Pathogenic.

Literature cited by the submitters: PubMed 15459956; PubMed 23449718; PubMed 33921607.

NC_000001.10:g.(?_197390110)_(197391106_?)del

Gene: CRB1 (crumbs cell polarity complex component 1; plus strand). Cytogenetic location: 1q31.3.
Variant type: Deletion.
Identifiers: ClinVar variation 2427677 (VCV002427677.4).